The following is an entry in ClinVar:

NM_033305.3(VPS13A):c.1478A>G (p.His493Arg)

Gene: VPS13A (vacuolar protein sorting 13 homolog A; plus strand). Cytogenetic location: 9q21.2.
Variant type: single nucleotide variant.
Coding change: c.1478A>G on transcript NM_033305.3 (MANE Select); coding-DNA position 1478, A replaced by G.
Protein change: p.His493Arg; replaces histidine 493 with arginine.
Molecular consequence: missense variant.
Genome position (GRCh38, 1-based): chr9:77,228,147, A>G. VCF-style: chr9-77228147-A-G. GRCh37 (hg19) VCF-style: chr9-79843063-A-G.
Other names: c.1478A>G, p.His493Arg (NM_001018037.2, NM_001018038.3, NM_015186.4); c.1478A>G (NM_033305.2); short protein forms H493R.
Identifiers: ClinVar variation 2097824 (VCV002097824.2), dbSNP rs1398550162, ClinGen allele CA373845668.

ClinVar aggregate classification (germline): Uncertain significance. Review status: criteria provided, multiple submitters, no conflicts (2 of 4 stars). 2 submissions from 2 submitters: Uncertain significance (2). Last evaluated 2025-07-15.

Conditions:
Inborn genetic diseases. Identifiers: MedGen C0950123, MeSH D030342.

Submissions (2):

Ambry Genetics
Classification: Uncertain significance for Inborn genetic diseases. Last evaluated: 2025-07-15. Review status: criteria provided, single submitter. Criteria: Ambry Variant Classification Scheme 2023. Collection method: clinical testing. Allele origin: germline.

Labcorp Genetics (formerly Invitae), Labcorp
Classification: Uncertain significance. Last evaluated: 2022-02-17. Review status: criteria provided, single submitter. Criteria: Invitae Variant Classification Sherloc (09022015). Collection method: clinical testing. Allele origin: germline.
Comment: This sequence change replaces histidine, which is basic and polar, with arginine, which is basic and polar, at codon 493 of the VPS13A protein (p.His493Arg). This variant is not present in population databases (gnomAD no frequency). This variant has not been reported in the literature in individuals affected with VPS13A-related conditions. Algorithms developed to predict the effect of missense changes on protein structure and function (SIFT, PolyPhen-2, Align-GVGD) all suggest that this variant is likely to be tolerated. In summary, the available evidence is currently insufficient to determine the role of this variant in disease. Therefore, it has been classified as a Variant of Uncertain Significance.